The following is an entry in ClinVar:

ClinVar aggregate classification (germline): Uncertain significance. Review status: criteria provided, multiple submitters, no conflicts (2 of 4 stars). 2 submissions from 2 submitters: Uncertain significance (2). Last evaluated 2025-06-20.

Conditions:
Emery-Dreifuss muscular dystrophy 4, autosomal dominant (EDMD4). Also called: EMERY-DREIFUSS MUSCULAR DYSTROPHY 4 WITH VARIABLE FEATURES. Identifiers: Orphanet 261, MedGen C2751807, MONDO:0013071, OMIM 612998.
Autosomal recessive ataxia, Beauce type. Also called: Spinocerebellar ataxia, autosomal recessive 8; ATAXIA, RECESSIVE, OF BEAUCE; SYNE1 Deficiency; SYNE1-Related Autosomal Recessive Cerebellar Ataxia. Identifiers: Orphanet 88644, MedGen C1853116, MONDO:0012549, OMIM 610743.

Allele frequency attached by ClinVar (database versions not stated): gnomAD exomes below 0.00001; ExAC 0.00001; gnomAD 0.00001; TOPMed 0.00001.
gnomAD v4.1: 6 of 1,614,114 alleles (0.00037%); highest among the groups gnomAD compares: African/African-American, 0.0013%; no homozygotes.

Submissions (2):

Labcorp Genetics (formerly Invitae), Labcorp
Classification: Uncertain significance for Emery-Dreifuss muscular dystrophy 4, autosomal dominant; Autosomal recessive ataxia, Beauce type. Last evaluated: 2025-06-20. Review status: criteria provided, single submitter. Criteria: Invitae Variant Classification Sherloc (09022015). Collection method: clinical testing. Allele origin: germline.
Comment: This sequence change replaces glutamine, which is neutral and polar, with arginine, which is basic and polar, at codon 6586 of the SYNE1 protein (p.Gln6586Arg). This variant is present in population databases (rs751964300, gnomAD 0.008%). This variant has not been reported in the literature in individuals affected with SYNE1-related conditions. ClinVar contains an entry for this variant (Variation ID: 1425145). An algorithm developed to predict the effect of missense changes on protein structure and function (PolyPhen-2) suggests that this variant is likely to be tolerated. In summary, the available evidence is currently insufficient to determine the role of this variant in disease. Therefore, it has been classified as a Variant of Uncertain Significance.

GeneDx
Classification: Uncertain significance. Last evaluated: 2024-03-28. Review status: criteria provided, single submitter. Criteria: GeneDx Variant Classification Process June 2021. Collection method: clinical testing. Allele origin: germline. Affected: yes.
Comment: Not observed at significant frequency in large population cohorts (gnomAD); In silico analysis supports that this missense variant has a deleterious effect on protein structure/function; Has not been previously published as pathogenic or benign to our knowledge

NM_182961.4(SYNE1):c.19970A>G (p.Gln6657Arg)

Gene: SYNE1 (spectrin repeat containing nuclear envelope protein 1; minus strand). Cytogenetic location: 6q25.2.
Variant type: single nucleotide variant.
Coding change: c.19970A>G on transcript NM_182961.4 (MANE Select); coding-DNA position 19970, A replaced by G.
Protein change: p.Gln6657Arg; replaces glutamine 6657 with arginine.
Molecular consequence: missense variant.
Genome position (GRCh38, 1-based): chr6:152,239,630, T>C on the plus strand (A>G on the coding strand, the complement: SYNE1 is on the minus strand). VCF-style: chr6-152239630-T-C. GRCh37 (hg19) VCF-style: chr6-152560765-T-C.
Other names: c.19757A>G, p.Gln6586Arg (NM_033071.5); c.19757A>G (NM_033071.3); short protein forms Q6586R, Q6657R.
Identifiers: ClinVar variation 1425145 (VCV001425145.9), dbSNP rs751964300, ClinGen allele CA4054536.
Genomic context (GRCh38, chr6:152,239,630, plus strand): 5'-GCCCGTTTCAGTACAGCAGAAGCCTGAGCCATCAGCTCTGTATGGAACTGGGTTTCCTTT[T>C]GGACTGCAAAGCTGATTATCTTTCTGAAGAGTGTTTCAGTCAAGATCATATGAGATTCCA-3'
Protein context (NP_892006.3, residues 6647-6667): LFRKIISFAV[Gln6657Arg]KETQFHTELM